The following is an entry in ClinVar:

ClinVar aggregate classification (germline): Benign (1 of 4 stars; one submission).

Conditions:
MIAT-related disorder. Also called: MIAT-related condition.

Submission:

PreventionGenetics, part of Exact Sciences
Classification: Benign for MIAT-related condition. Last evaluated: 2020-02-19. Review status: criteria provided, single submitter. Criteria: ACMG Guidelines, 2015. Collection method: clinical testing. Allele origin: germline.
Comment: This variant is classified as benign based on ACMG/AMP sequence variant interpretation guidelines (Richards et al. 2015 PMID: 25741868, with internal and published modifications).

NR_033320.3(MIAT):n.6816G>T

Genes: MIAT (myocardial infarction associated transcript; plus strand), MIATNB (MIAT neighbor; plus strand). Cytogenetic location: 22q12.1.
Variant type: single nucleotide variant.
Molecular consequence: non-coding transcript variant (on NR_033320.3).
Genome position: GRCh38 VCF-style: chr22-26673290-G-T. GRCh37 (hg19) VCF-style: chr22-27069253-G-T.
Identifiers: ClinVar variation 3057060 (VCV003057060.1), dbSNP rs1931130846, ClinGen allele CA514080960.